The following is an entry in ClinVar:

ClinVar aggregate classification (germline): Likely benign (1 of 4 stars; one submission).

Allele frequency attached by ClinVar (database versions not stated): ExAC 0.00002.

Submission:

CeGaT Center for Human Genetics Tuebingen
Classification: Likely benign. Last evaluated: 2022-07-01. Review status: criteria provided, single submitter. Criteria: CeGaT Center For Human Genetics Tuebingen Variant Classification Criteria Version 2. Collection method: clinical testing. Allele origin: germline. Affected: yes. Observed: 1 variant allele.
Comment: AHNAK: BP4, BP7

NM_001620.3(AHNAK):c.6228T>C (p.Asp2076=)

Gene: AHNAK (AHNAK nucleoprotein; minus strand). Cytogenetic location: 11q12.3.
Variant type: single nucleotide variant.
Coding change: c.6228T>C on transcript NM_001620.3 (MANE Select); coding-DNA position 6228, T replaced by C.
Protein change: p.Asp2076=; no amino-acid change (aspartic acid 2076 retained).
Molecular consequence: synonymous variant. On other transcripts: intron variant (1).
Genome position (GRCh38, 1-based): chr11:62,528,189, A>G on the plus strand (T>C on the coding strand, the complement: AHNAK is on the minus strand). VCF-style: chr11-62528189-A-G. GRCh37 (hg19) VCF-style: chr11-62295661-A-G.
Other names: c.6228T>C, p.Asp2076= (NM_001346445.2, NM_001346446.2); c.342+6814T>C (NM_024060.4).
Identifiers: ClinVar variation 2641875 (VCV002641875.24), dbSNP rs770300955, ClinGen allele CA6045755.
Genomic context (GRCh38, chr11:62,528,189, plus strand): 5'-TGGACCTTCAAGGCTCACATCTGGGACTTCAACATCCACCTTGGGTCCTGAGACAACAAC[A>G]TCAGCCTTGGGCAAGTTCACATCCACTTCTGGGCCCTCTGCTTTGAAGCCAGGCATGCTG-3'
Protein context (NP_001611.1, residues 2066-2086): PEVDVNLPKA[Asp2076=]VVVSGPKVDV